The following is an entry in ClinVar:

ClinVar aggregate classification (germline): Pathogenic. Review status: criteria provided, single submitter (1 of 4 stars). 2 submissions from 2 submitters: Pathogenic (1). 1 of the submissions does not count toward it. Last evaluated 2022-12-20.

Conditions:
Combined oxidative phosphorylation defect type 15. Also called: Combined oxidative phosphorylation deficiency 15. Identifiers: Orphanet 319524, MedGen C4706313, MONDO:0013987, OMIM 614947.

Allele frequency attached by ClinVar (database versions not stated): gnomAD exomes below 0.00001; TOPMed below 0.00001.
gnomAD v4.1: 3 of 1,515,844 alleles (0.0002%); highest among the groups gnomAD compares: Non-Finnish European, 0.00026%; no homozygotes.

Submissions (2):

GeneDx
Classification: Pathogenic. Last evaluated: 2022-12-20. Review status: criteria provided, single submitter. Criteria: GeneDx Variant Classification Process June 2021. Collection method: clinical testing. Allele origin: germline. Affected: yes.
Comment: Nonsense variant predicted to result in protein truncation or nonsense mediated decay in a gene for which loss of function is a known mechanism of disease; Not observed at significant frequency in large population cohorts (gnomAD); This variant is associated with the following publications: (PMID: 35772305, 24461907)

OMIM
Classification: Pathogenic for COMBINED OXIDATIVE PHOSPHORYLATION DEFICIENCY 15. Last evaluated: 2014-03-01. Review status: no assertion criteria provided. Collection method: literature only. Allele origin: germline. Not counted in ClinVar's aggregate classification.

Literature cited by the submitters: PubMed 24461907 (cited by OMIM).

NM_139242.4(MTFMT):c.73C>T (p.Gln25Ter)

Gene: MTFMT (mitochondrial methionyl-tRNA formyltransferase; minus strand). Cytogenetic location: 15q22.31.
Variant type: single nucleotide variant.
Coding change: c.73C>T on transcript NM_139242.4 (MANE Select); coding-DNA position 73, C replaced by T.
Protein change: p.Gln25Ter; replaces glutamine 25 with a stop codon.
Molecular consequence: nonsense.
Genome position (GRCh38, 1-based): chr15:65,029,541, G>A on the plus strand (C>T on the coding strand, the complement: MTFMT is on the minus strand). VCF-style: chr15-65029541-G-A. GRCh37 (hg19) VCF-style: chr15-65321879-G-A.
Other names: short protein forms Q25*.
Identifiers: ClinVar variation 133325 (VCV000133325.3), dbSNP rs587777419, ClinGen allele CA156425.